The following is an entry in ClinVar:

NM_001012614.2(CTBP1):c.822C>T (p.Arg274=)

Genes: CTBP1 (C-terminal binding protein 1; minus strand), CTBP1-AS (CTBP1 antisense RNA; plus strand). Cytogenetic location: 4p16.3.
Variant type: single nucleotide variant.
Coding change: c.822C>T on transcript NM_001012614.2 (MANE Select); coding-DNA position 822, C replaced by T.
Protein change: p.Arg274=; no amino-acid change (arginine 274 retained).
Molecular consequence: synonymous variant.
Genome position (GRCh38, 1-based): chr4:1,214,381, G>A on the plus strand (C>T on the coding strand, the complement: CTBP1 is on the minus strand). VCF-style: chr4-1214381-G-A. GRCh37 (hg19) VCF-style: chr4-1208169-G-A.
Other names: c.855C>T, p.Arg285= (NM_001328.3).
Identifiers: ClinVar variation 791968 (VCV000791968.37), dbSNP rs149624625, ClinGen allele CA2804294.

ClinVar aggregate classification (germline): Benign/Likely benign. Review status: criteria provided, multiple submitters, no conflicts (2 of 4 stars). 3 submissions from 3 submitters: Benign (1); Likely benign (2). Last evaluated 2026-09-01.

Allele frequency attached by ClinVar (database versions not stated): 1000 Genomes Project 0.00060; 1000 Genomes Project 30x 0.00094; TOPMed 0.00198; ESP Exome Variant Server 0.00201; ExAC 0.00269.
gnomAD v4.1: 4,365 of 1,564,236 alleles (0.28%); highest among the groups gnomAD compares: Non-Finnish European, 0.33%; 10 homozygotes.

Submissions (3):

CeGaT Center for Human Genetics Tuebingen
Classification: Likely benign. Last evaluated: 2026-09-01. Review status: criteria provided, single submitter. Criteria: CeGaT Center For Human Genetics Tuebingen Variant Classification Criteria Version 2. Collection method: clinical testing. Allele origin: germline. Affected: yes. Observed: 10 variant alleles.
Comment: CTBP1: BP4, BP7

Labcorp Genetics (formerly Invitae), Labcorp
Classification: Benign. Last evaluated: 2026-01-23. Review status: criteria provided, single submitter. Criteria: Invitae Variant Classification Sherloc (09022015). Collection method: clinical testing. Allele origin: germline.

Blueprint Genetics
Classification: Likely benign. Last evaluated: 2024-11-19. Review status: criteria provided, single submitter. Criteria: ACMG Guidelines, 2015. Collection method: clinical testing. Allele origin: germline.